The following is an entry in ClinVar:

NM_020778.5(ALPK3):c.2872G>C (p.Asp958His)

Gene: ALPK3 (alpha kinase 3; plus strand). Cytogenetic location: 15q25.3.
Variant type: single nucleotide variant.
Coding change: c.2872G>C on transcript NM_020778.5 (MANE Select); coding-DNA position 2872, G replaced by C.
Protein change: p.Asp958His; replaces aspartic acid 958 with histidine.
Molecular consequence: missense variant.
Genome position (GRCh38, 1-based): chr15:84,857,610, G>C. VCF-style: chr15-84857610-G-C. GRCh37 (hg19) VCF-style: chr15-85400841-G-C.
Other names: short protein forms D958H.
Identifiers: ClinVar variation 2802667 (VCV002802667.3), dbSNP rs2505720917, ClinGen allele CA393359151.

ClinVar aggregate classification (germline): Uncertain significance (1 of 4 stars; one submission).

Submission:

Labcorp Genetics (formerly Invitae), Labcorp
Classification: Uncertain significance. Last evaluated: 2022-11-17. Review status: criteria provided, single submitter. Criteria: Invitae Variant Classification Sherloc (09022015). Collection method: clinical testing. Allele origin: germline.
Comment: In summary, the available evidence is currently insufficient to determine the role of this variant in disease. Therefore, it has been classified as a Variant of Uncertain Significance. Advanced modeling of protein sequence and biophysical properties (such as structural, functional, and spatial information, amino acid conservation, physicochemical variation, residue mobility, and thermodynamic stability) performed at Invitae indicates that this missense variant is expected to disrupt ALPK3 protein function. This variant has not been reported in the literature in individuals affected with ALPK3-related conditions. This variant is not present in population databases (gnomAD no frequency). This sequence change replaces aspartic acid, which is acidic and polar, with histidine, which is basic and polar, at codon 1160 of the ALPK3 protein (p.Asp1160His).